The following is an entry in ClinVar:

ClinVar aggregate classification (germline): Uncertain significance (1 of 4 stars; one submission).

Conditions:
Cardiovascular phenotype. Identifiers: MedGen CN230736.
Hereditary cancer-predisposing syndrome. Also called: Neoplastic Syndromes, Hereditary; Tumor predisposition; Hereditary neoplastic syndrome; Hereditary Cancer Syndrome. Identifiers: Orphanet 140162, MedGen C0027672, MeSH D009386, MONDO:0015356.

Submission:

Ambry Genetics
Classification: Uncertain significance for Cardiovascular phenotype; Hereditary cancer-predisposing syndrome. Last evaluated: 2026-07-17. Review status: criteria provided, single submitter. Criteria: Ambry Variant Classification Scheme 2023. Collection method: clinical testing. Allele origin: germline.
Comment: The p.Q1801L variant (also known as c.5402A>T), located in coding exon 37 of the NF1 gene, results from an A to T substitution at nucleotide position 5402. The glutamine at codon 1801 is replaced by leucine, an amino acid with dissimilar properties. This amino acid position is conserved. In addition, the in silico prediction for this alteration is inconclusive. Based on the available evidence, the clinical significance of this variant remains unclear.

NM_001042492.3(NF1):c.5465A>T (p.Gln1822Leu)

Gene: NF1 (neurofibromin 1; plus strand). Cytogenetic location: 17q11.2.
Variant type: single nucleotide variant.
Coding change: c.5465A>T on transcript NM_001042492.3 (MANE Select); coding-DNA position 5465, A replaced by T.
Protein change: p.Gln1822Leu; replaces glutamine 1822 with leucine.
Molecular consequence: missense variant.
Genome position (GRCh38, 1-based): chr17:31,327,695, A>T. VCF-style: chr17-31327695-A-T. GRCh37 (hg19) VCF-style: chr17-29654713-A-T.
Other names: c.5402A>T, p.Gln1801Leu (NM_000267.4); short protein forms Q1822L, Q1801L.
Identifiers: ClinVar variation 5025573 (VCV005025573.1).